The following is an entry in ClinVar:

ClinVar aggregate classification (germline): Pathogenic. Review status: criteria provided, multiple submitters, no conflicts (2 of 4 stars). 2 submissions from 2 submitters: Pathogenic (2). Last evaluated 2022-09-19.

Conditions:
Chuvash polycythemia. Also called: POLYCYTHEMIA, VHL-DEPENDENT. Identifiers: Orphanet 238557, MedGen C1837915, MONDO:0009892, OMIM 263400.
Von Hippel-Lindau syndrome (VHLS). Also called: Von Hippel-Lindau; von Hippel–Lindau syndrome; VHL syndrome. Identifiers: Orphanet 892, MedGen C0019562, MONDO:0008667, OMIM 193300. Disease mechanism: loss of function.
Hereditary cancer-predisposing syndrome. Also called: Tumor predisposition; Neoplastic Syndromes, Hereditary; Hereditary Cancer Syndrome; Hereditary neoplastic syndrome. Identifiers: Orphanet 140162, MedGen C0027672, MeSH D009386, MONDO:0015356.

Submissions (2):

Labcorp Genetics (formerly Invitae), Labcorp
Classification: Pathogenic for Von Hippel-Lindau syndrome; Chuvash polycythemia. Last evaluated: 2022-09-19. Review status: criteria provided, single submitter. Criteria: Invitae Variant Classification Sherloc (09022015). Collection method: clinical testing. Allele origin: germline.
Comment: For these reasons, this variant has been classified as Pathogenic. This variant has not been reported in the literature in individuals affected with VHL-related conditions. This variant is not present in population databases (gnomAD no frequency). This sequence change creates a premature translational stop signal (p.Ser65Leufs*67) in the VHL gene. It is expected to result in an absent or disrupted protein product. Loss-of-function variants in VHL are known to be pathogenic (PMID: 8956040, 12202531, 29891534, 31350093).

Ambry Genetics
Classification: Pathogenic for Hereditary cancer-predisposing syndrome. Last evaluated: 2019-05-11. Review status: criteria provided, single submitter. Criteria: Ambry Variant Classification Scheme 2023. Collection method: clinical testing. Allele origin: germline.
Comment: The c.191dupG pathogenic mutation, located in coding exon 1 of the VHL gene, results from a duplication of G at nucleotide position 191, causing a translational frameshift with a predicted alternate stop codon (p.S65Lfs*67). This alteration is expected to result in loss of function by premature protein truncation or nonsense-mediated mRNA decay. As such, this alteration is interpreted as a disease-causing mutation.

Literature cited by the submitters: PubMed 8956040 (cited by Labcorp Genetics (formerly Invitae), Labcorp); PubMed 12202531 (cited by Labcorp Genetics (formerly Invitae), Labcorp); PubMed 29891534 (cited by Labcorp Genetics (formerly Invitae), Labcorp); PubMed 31350093 (cited by Labcorp Genetics (formerly Invitae), Labcorp).

NM_000551.4(VHL):c.191dup (p.Ser65fs)

Gene: VHL (von Hippel-Lindau tumor suppressor; plus strand). Cytogenetic location: 3p25.3.
Variant type: Duplication.
Coding change: c.191dup on transcript NM_000551.4 (MANE Select); coding-DNA position 191, one base duplicated (G; older notation c.191dupG).
Protein change: p.Ser65fs; shifts the reading frame from serine 65.
Molecular consequence: frameshift variant.
Genome position (GRCh38, 1-based): chr3:10,142,038, G duplicated. VCF-style (leftmost placement, unchanged base first): chr3-10142037-C-CG. GRCh37 (hg19) VCF-style: chr3-10183721-C-CG.
Other names: c.191dup, p.Ser65fs (NM_001354723.2, NM_198156.3); c.191dupG (NM_000551.3); short protein forms S65fs.
Identifiers: ClinVar variation 1782641 (VCV001782641.7), dbSNP rs2470158020, ClinGen allele CA2580068395.